The following is an entry in ClinVar:

NM_003380.5(VIM):c.814G>A (p.Val272Ile)

Gene: VIM (vimentin; plus strand). Cytogenetic location: 10p13.
Variant type: single nucleotide variant.
Coding change: c.814G>A on transcript NM_003380.5 (MANE Select); coding-DNA position 814, G replaced by A.
Protein change: p.Val272Ile; replaces valine 272 with isoleucine.
Molecular consequence: missense variant.
Genome position (GRCh38, 1-based): chr10:17,233,863, G>A. VCF-style: chr10-17233863-G-A. GRCh37 (hg19) VCF-style: chr10-17275862-G-A.
Other names: c.814G>A (NM_003380.3); short protein forms V272I.
Identifiers: ClinVar variation 2084511 (VCV002084511.5), dbSNP rs199515026, ClinGen allele CA5426573.
Genomic context (GRCh38, chr10:17,233,863, plus strand): 5'-CAGCATGTCCAAATCGATGTGGATGTTTCCAAGCCTGACCTCACGGCTGCCCTGCGTGAC[G>A]TACGTCAGCAATATGAAAGTGTGGCTGCCAAGAACCTGCAGGAGGCAGAAGAATGGTACA-3'
Protein context (NP_003371.2, residues 262-282): KPDLTAALRD[Val272Ile]RQQYESVAAK

ClinVar aggregate classification (germline): Uncertain significance. Review status: criteria provided, multiple submitters, no conflicts (2 of 4 stars). 2 submissions from 2 submitters: Uncertain significance (2). Last evaluated 2024-12-03.

Conditions:
Cataract 30 (CTRCT30). Also called: CATARACT 30, PULVERULENT. Identifiers: Orphanet 91492, Orphanet 98984, Orphanet 98992, MedGen C3805411, MONDO:0007286, OMIM 116300.

Allele frequency attached by ClinVar (database versions not stated): gnomAD 0.00007; ExAC 0.00008; ESP Exome Variant Server 0.00008; TOPMed 0.00011; gnomAD exomes 0.00014.
gnomAD v4.1: 217 of 1,614,028 alleles (0.013%); highest among the groups gnomAD compares: Non-Finnish European, 0.016%; no homozygotes.

Submissions (2):

Ambry Genetics
Classification: Uncertain significance. Last evaluated: 2024-12-03. Review status: criteria provided, single submitter. Criteria: Ambry Variant Classification Scheme 2023. Collection method: clinical testing. Allele origin: germline.

Labcorp Genetics (formerly Invitae), Labcorp
Classification: Uncertain significance for Cataract 30. Last evaluated: 2022-07-30. Review status: criteria provided, single submitter. Criteria: Invitae Variant Classification Sherloc (09022015). Collection method: clinical testing. Allele origin: germline.
Comment: This variant has not been reported in the literature in individuals affected with VIM-related conditions. Algorithms developed to predict the effect of missense changes on protein structure and function (SIFT, PolyPhen-2, Align-GVGD) all suggest that this variant is likely to be disruptive. In summary, the available evidence is currently insufficient to determine the role of this variant in disease. Therefore, it has been classified as a Variant of Uncertain Significance. This sequence change replaces valine, which is neutral and non-polar, with isoleucine, which is neutral and non-polar, at codon 272 of the VIM protein (p.Val272Ile). This variant is present in population databases (rs199515026, gnomAD 0.02%).